The following is an entry in ClinVar:

NM_001429.4(EP300):c.7136A>G (p.Asn2379Ser)

Gene: EP300 (EP300 lysine acetyltransferase; plus strand). Cytogenetic location: 22q13.2.
Variant type: single nucleotide variant.
Coding change: c.7136A>G on transcript NM_001429.4 (MANE Select); coding-DNA position 7136, A replaced by G.
Protein change: p.Asn2379Ser; replaces asparagine 2379 with serine.
Molecular consequence: missense variant.
Genome position (GRCh38, 1-based): chr22:41,178,847, A>G. VCF-style: chr22-41178847-A-G. GRCh37 (hg19) VCF-style: chr22-41574851-A-G.
Other names: c.7058A>G, p.Asn2353Ser (NM_001362843.2); short protein forms N2379S, N2353S.
Identifiers: ClinVar variation 2085308 (VCV002085308.5), dbSNP rs886057571, ClinGen allele CA10654162.

ClinVar aggregate classification (germline): Conflicting classifications of pathogenicity. Review status: criteria provided, conflicting classifications (1 of 4 stars). 2 submissions from 2 submitters: Uncertain significance (1); Likely benign (1). Last evaluated 2022-06-20.

Conditions:
Inborn genetic diseases. Identifiers: MedGen C0950123, MeSH D030342.
Rubinstein-Taybi syndrome due to EP300 haploinsufficiency. Also called: EP300-Related Rubinstein-Taybi Syndrome; RUBINSTEIN-TAYBI SYNDROME 2. Identifiers: Orphanet 353284, Orphanet 783, MedGen C3150941, MONDO:0013364, OMIM 613684.

Allele frequency attached by ClinVar (database versions not stated): gnomAD exomes below 0.00001 and 0.00005; gnomAD 0.00001; TOPMed 0.00001.
gnomAD v4.1: 77 of 1,614,090 alleles (0.0048%); highest among the groups gnomAD compares: Non-Finnish European, 0.0058%; no homozygotes.

Submissions (2):

Labcorp Genetics (formerly Invitae), Labcorp
Classification: Likely benign for Rubinstein-Taybi syndrome due to EP300 haploinsufficiency. Last evaluated: 2022-06-20. Review status: criteria provided, single submitter. Criteria: Invitae Variant Classification Sherloc (09022015). Collection method: clinical testing. Allele origin: germline.

Ambry Genetics
Classification: Uncertain significance for Inborn genetic diseases. Last evaluated: 2021-03-18. Review status: criteria provided, single submitter. Criteria: Ambry Variant Classification Scheme 2023. Collection method: clinical testing. Allele origin: germline.
Comment: The c.7136A>G (p.N2379S) alteration is located in exon 31 (coding exon 31) of the EP300 gene. This alteration results from a A to G substitution at nucleotide position 7136, causing the asparagine (N) at amino acid position 2379 to be replaced by a serine (S). The p.N2379S alteration is predicted to be tolerated by in silico analysis. Based on insufficient or conflicting evidence, the clinical significance of this alteration remains unclear.